The following is an entry in ClinVar:

ClinVar aggregate classification (germline): Uncertain significance (1 of 4 stars; one submission).

gnomAD v4.1: 9 of 1,205,178 alleles (0.00075%); highest among the groups gnomAD compares: African/African-American, 0.0035%; no homozygotes.

Submission:

GeneDx
Classification: Uncertain significance. Last evaluated: 2024-02-22. Review status: criteria provided, single submitter. Criteria: GeneDx Variant Classification Process June 2021. Collection method: clinical testing. Allele origin: germline. Affected: yes.
Comment: Not observed at significant frequency in large population cohorts (gnomAD); In silico analysis supports that this missense variant has a deleterious effect on protein structure/function; Has not been previously published as pathogenic or benign to our knowledge

NM_002025.4(AFF2):c.1262C>T (p.Ser421Leu)

Gene: AFF2 (ALF transcription elongation factor 2; plus strand). Cytogenetic location: Xq28.
Variant type: single nucleotide variant.
Coding change: c.1262C>T on transcript NM_002025.4 (MANE Select); coding-DNA position 1262, C replaced by T.
Protein change: p.Ser421Leu; replaces serine 421 with leucine.
Molecular consequence: missense variant. On other transcripts: intron variant (3).
Genome position (GRCh38, 1-based): chrX:148,843,433, C>T. VCF-style: chrX-148843433-C-T. GRCh37 (hg19) VCF-style: chrX-147924957-C-T.
Other names: c.1163C>T, p.Ser388Leu (NM_001169122.2); c.185C>T, p.Ser62Leu (NM_001170628.1); c.1157+18C>T (NM_001169124.2); c.1232+18C>T (NM_001169123.2); c.1145+18C>T (NM_001169125.2); short protein forms S388L, S421L, S62L.
Identifiers: ClinVar variation 3369367 (VCV003369367.1).